The following is an entry in ClinVar:

ClinVar aggregate classification (germline): Likely pathogenic (1 of 4 stars; one submission).

Submission:

Quest Diagnostics Nichols Institute San Juan Capistrano
Classification: Likely pathogenic. Last evaluated: 2024-06-03. Review status: criteria provided, single submitter. Criteria: ACMG/ClinGen CNV Guidelines, 2019. Collection method: clinical testing. Allele origin: unknown.
Comment: This copy number loss involves numerous protein-coding genes. Heterozygous deletions of 10q11.22q11.23 (LCR A-E) have been reported in individuals with developmental delay and/or intellectual disabilities, as well as variable other features (ISCA-37497; Farhan 2022, Hodgson 2020, Kuil 2021, Leu 2020, Stankiewicz 2012). The proposed 1.45 Mb smallest region of overlap, which is located within the current interval, has been categorized as a susceptibility locus (Govaerts 2017). Thus, this copy number variant (CNV) is interpreted as likely pathogenic. References: Farhan et al., Am J Med Genet A. 2022 Jan;188(1):199-209. PMID: 34611981; Govaerts et al., Prenat Diagn. 2017 Jan;37(1):73-80. PMID: 27931090; Hodgson et al., Am J Respir Crit Care Med. 2020 Mar 1;201(5):575-585. PMID: 31661308; Kuil et al., PLoS Genet. 2021 Aug 6;17(8):e1009698. PMID: 34358225; Leu et al., Sci Rep. 2020 Sep 16;10(1):15205. PMID: 32938993; Stankiewicz et al., Hum Mutat. 2012 Jan;33(1):165-79. PMID: 21948486

GRCh37/hg19 10q11.22-11.23(chr10:46269493-51874356)x1

Genes: AGAP10 (ArfGAP with GTPase domain, ankyrin repeat and PH domain 10), AGAP4 (ArfGAP with GTPase domain, ankyrin repeat and PH domain 4; minus strand), AGAP6 (ArfGAP with GTPase domain, ankyrin repeat and PH domain 6; plus strand), AGAP9 (ArfGAP with GTPase domain, ankyrin repeat and PH domain 9; minus strand), ANXA8 (annexin A8; minus strand) and 34 more. Cytogenetic location: 10q11.22-11.23.
Variant type: copy number loss.
Change: copy number 1 (one copy instead of two) of chr10:46,269,493-51,874,356 (5.60 Mb, GRCh37 coordinates, 1-based), cytogenetic band 10q11.22-11.23.
Identifiers: ClinVar variation 1808699 (VCV001808699.1).